The following is an entry in ClinVar:

ClinVar aggregate classification (germline): Uncertain significance. Review status: criteria provided, multiple submitters, no conflicts (2 of 4 stars). 3 submissions from 3 submitters: Uncertain significance (2). 1 of the submissions does not count toward it. Last evaluated 2025-01-14.

Conditions:
Hereditary spastic paraplegia 49 (HSAN9). Also called: Spastic paraplegia 49, autosomal recessive; NEUROPATHY, HEREDITARY SENSORY AND AUTONOMIC, TYPE IX, WITH DEVELOPMENTAL DELAY; TECPR2-Related Hereditary Sensory and Autonomic Neuropathy with Intellectual Disability. Identifiers: Orphanet 320385, MedGen C5190860, MONDO:0014016, OMIM 615031.
Inborn genetic diseases. Identifiers: MedGen C0950123, MeSH D030342.

Allele frequency attached by ClinVar (database versions not stated): gnomAD exomes below 0.00001 and 0.00002; gnomAD 0.00001; TOPMed 0.00001.
gnomAD v4.1: 24 of 1,608,888 alleles (0.0015%); highest among the groups gnomAD compares: Non-Finnish European, 0.002%; no homozygotes.

Submissions (3):

Ambry Genetics
Classification: Uncertain significance for Inborn genetic diseases. Last evaluated: 2025-01-14. Review status: criteria provided, single submitter. Criteria: Ambry Variant Classification Scheme 2023. Collection method: clinical testing. Allele origin: germline.

Labcorp Genetics (formerly Invitae), Labcorp
Classification: Uncertain significance for Hereditary spastic paraplegia 49. Last evaluated: 2021-08-28. Review status: criteria provided, single submitter. Criteria: Invitae Variant Classification Sherloc (09022015). Collection method: clinical testing. Allele origin: germline.
Comment: This sequence change replaces lysine with arginine at codon 1197 of the TECPR2 protein (p.Lys1197Arg). The lysine residue is moderately conserved and there is a small physicochemical difference between lysine and arginine. This variant is not present in population databases (ExAC no frequency). This variant has not been reported in the literature in individuals affected with TECPR2-related conditions. Algorithms developed to predict the effect of missense changes on protein structure and function output the following: SIFT: "Tolerated"; PolyPhen-2: "Benign"; Align-GVGD: "Class C0". The arginine amino acid residue is found in multiple mammalian species, which suggests that this missense change does not adversely affect protein function. Algorithms developed to predict the effect of sequence changes on RNA splicing suggest that this variant may create or strengthen a splice site. In summary, the available evidence is currently insufficient to determine the role of this variant in disease. Therefore, it has been classified as a Variant of Uncertain Significance.

Natera, Inc.
Classification: Uncertain significance for Autosomal recessive spastic paraplegia type 49. Last evaluated: 2021-05-14. Review status: no assertion criteria provided. Collection method: clinical testing. Allele origin: germline. Not counted in ClinVar's aggregate classification.

NM_014844.5(TECPR2):c.3590A>G (p.Lys1197Arg)

Gene: TECPR2 (tectonin beta-propeller repeat containing 2; plus strand). Cytogenetic location: 14q32.31.
Variant type: single nucleotide variant.
Coding change: c.3590A>G on transcript NM_014844.5 (MANE Select); coding-DNA position 3590, A replaced by G.
Protein change: p.Lys1197Arg; replaces lysine 1197 with arginine.
Molecular consequence: missense variant.
Genome position (GRCh38, 1-based): chr14:102,452,577, A>G. VCF-style: chr14-102452577-A-G. GRCh37 (hg19) VCF-style: chr14-102918914-A-G.
Other names: c.3590A>G, p.Lys1197Arg (NM_001172631.3); short protein forms K1197R.
Identifiers: ClinVar variation 958960 (VCV000958960.11), dbSNP rs1230456153, ClinGen allele CA391068992.